The following is an entry in ClinVar:

NM_007067.5(KAT7):c.1687C>T (p.Gln563Ter)

Gene: KAT7 (lysine acetyltransferase 7; plus strand). Cytogenetic location: 17q21.33.
Variant type: single nucleotide variant.
Coding change: c.1687C>T on transcript NM_007067.5 (MANE Select); coding-DNA position 1687, C replaced by T.
Protein change: p.Gln563Ter; replaces glutamine 563 with a stop codon.
Molecular consequence: nonsense.
Genome position (GRCh38, 1-based): chr17:49,826,752, C>T. VCF-style: chr17-49826752-C-T. GRCh37 (hg19) VCF-style: chr17-47904114-C-T.
Other names: c.1597C>T, p.Gln533Ter (NM_001199155.2); c.1270C>T, p.Gln424Ter (NM_001199156.2); c.1357C>T, p.Gln453Ter (NM_001199157.2); c.1180C>T, p.Gln394Ter (NM_001199158.2); c.1447C>T, p.Gln483Ter (NM_001346706.2); short protein forms Q563*, Q483*, Q394*, Q424*, Q533*, Q453*.
Identifiers: ClinVar variation 161655 (VCV000161655.2), dbSNP rs193921114, ClinGen allele CA174539.
Genomic context (GRCh38, chr17:49,826,752, plus strand): 5'-GAAATCAGTCAGGAGACGGCTGTGAATCCTGTGGACATTGTCAGCACTCTGCAAGCCCTT[C>T]AGATGCTCAAATACTGGAAGGGAAAACACCTAGTTTTAAAGAGACAGGTAAGGTTCTCAT-3'

ClinVar aggregate classification (germline): Uncertain significance (0 of 4 stars; one submission).

Conditions:
Prostate cancer. Also called: Malignant tumor of prostate. Identifiers: Orphanet 1331, MedGen C0376358, MONDO:0008315, HP:0012125.

Submission:

Science for Life laboratory,  Karolinska Institutet
Classification: Uncertain significance for Malignant tumor of prostate. Review status: no assertion criteria provided. Collection method: not provided. Allele origin: somatic.
Comment: TumorID:SWE-92A
ClinVar note: Converted during submission from Unknown to Uncertain significance.